The following is an entry in ClinVar:

NM_002206.3(ITGA7):c.2087C>T (p.Ser696Leu)

Genes: ITGA7 (integrin subunit alpha 7; minus strand), LOC126861535 (CDK7 strongly-dependent group 2 enhancer GRCh37_chr12:56087579-56088778; plus strand). Cytogenetic location: 12q13.2.
Variant type: single nucleotide variant.
Coding change: c.2087C>T on transcript NM_002206.3 (MANE Select); coding-DNA position 2087, C replaced by T.
Protein change: p.Ser696Leu; replaces serine 696 with leucine.
Molecular consequence: missense variant.
Genome position (GRCh38, 1-based): chr12:55,694,887, G>A on the plus strand (C>T on the coding strand, the complement: ITGA7 is on the minus strand). VCF-style: chr12-55694887-G-A. GRCh37 (hg19) VCF-style: chr12-56088671-G-A.
Other names: c.2099C>T, p.Ser700Leu (NM_001144996.2); c.1808C>T, p.Ser603Leu (NM_001144997.2); c.1760C>T, p.Ser587Leu (NM_001367993.1); c.743C>T, p.Ser248Leu (NM_001367994.1); c.2069C>T, p.Ser690Leu (NM_001374465.1); c.2219C>T, p.Ser740Leu (NM_001410977.1); c.2081C>T, p.Ser694Leu (NM_001414029.1); c.2012C>T, p.Ser671Leu (NM_001414030.1); and 4 more; short protein forms S696L, S603L, S248L, S587L, S700L, S690L, S740L, S656L.
Identifiers: ClinVar variation 94038 (VCV000094038.20), dbSNP rs76938320, ClinGen allele CA221923.

ClinVar aggregate classification (germline): Uncertain significance. Review status: criteria provided, multiple submitters, no conflicts (2 of 4 stars). 7 submissions from 7 submitters: Uncertain significance (7). Last evaluated 2024-09-10.

Conditions:
Congenital muscular dystrophy due to integrin alpha-7 deficiency. Also called: Congenital muscular dystrophy with integrin alpha-7 deficiency; Muscular dystrophy, congenital, due to ITGA7 deficiency; MYOPATHY, CONGENITAL, DUE TO INTEGRIN ALPHA-7 DEFICIENCY. Identifiers: Orphanet 34520, MedGen C2750786, MONDO:0013177, OMIM 613204.

Allele frequency attached by ClinVar (database versions not stated): gnomAD 0.00023 and 0.00024; ESP Exome Variant Server 0.00031; gnomAD exomes 0.00018 and 0.00030; 1000 Genomes Project 0.00020; ExAC 0.00021; TOPMed 0.00027; 1000 Genomes Project 30x 0.00031.
gnomAD v4.1: 473 of 1,613,994 alleles (0.029%); highest among the groups gnomAD compares: Non-Finnish European, 0.036%; no homozygotes.

Submissions (7):

Blueprint Genetics
Classification: Uncertain significance. Last evaluated: 2024-09-10. Review status: criteria provided, single submitter. Criteria: ACMG Guidelines, 2015. Collection method: clinical testing. Allele origin: germline.

Ambry Genetics
Classification: Uncertain significance. Last evaluated: 2024-06-16. Review status: criteria provided, single submitter. Criteria: Ambry Variant Classification Scheme 2023. Collection method: clinical testing. Allele origin: germline.

Revvity Omics, Revvity
Classification: Uncertain significance for Congenital muscular dystrophy due to integrin alpha-7 deficiency. Last evaluated: 2024-01-30. Review status: criteria provided, single submitter. Criteria: ACMG Guidelines, 2015. Collection method: clinical testing. Allele origin: germline.

Mayo Clinic Laboratories, Mayo Clinic
Classification: Uncertain significance. Last evaluated: 2022-08-15. Review status: criteria provided, single submitter. Criteria: ACMG Guidelines, 2015. Collection method: clinical testing. Allele origin: germline. Observed: 1 variant allele.

Labcorp Genetics (formerly Invitae), Labcorp
Classification: Uncertain significance for Congenital muscular dystrophy due to integrin alpha-7 deficiency. Last evaluated: 2022-08-10. Review status: criteria provided, single submitter. Criteria: Invitae Variant Classification Sherloc (09022015). Collection method: clinical testing. Allele origin: germline.
Comment: This sequence change replaces serine, which is neutral and polar, with leucine, which is neutral and non-polar, at codon 696 of the ITGA7 protein (p.Ser696Leu). This variant is present in population databases (rs76938320, gnomAD 0.04%). This variant has not been reported in the literature in individuals affected with ITGA7-related conditions. ClinVar contains an entry for this variant (Variation ID: 94038). Algorithms developed to predict the effect of missense changes on protein structure and function are either unavailable or do not agree on the potential impact of this missense change (SIFT: "Deleterious"; PolyPhen-2: "Probably Damaging"; Align-GVGD: "Class C0"). In summary, the available evidence is currently insufficient to determine the role of this variant in disease. Therefore, it has been classified as a Variant of Uncertain Significance.

Fulgent Genetics
Classification: Uncertain significance for Congenital muscular dystrophy due to integrin alpha-7 deficiency. Last evaluated: 2018-10-31. Review status: criteria provided, single submitter. Criteria: ACMG Guidelines, 2015. Collection method: clinical testing. Allele origin: unknown.

Eurofins Ntd Llc (ga)
Classification: Uncertain significance. Last evaluated: 2013-11-12. Review status: criteria provided, single submitter. Criteria: EGL Classification Definitions 2015. Collection method: clinical testing. Allele origin: germline. Observed: 1 variant allele, 1 heterozygote.